The following is an entry in ClinVar:

ClinVar aggregate classification (germline): Uncertain significance (1 of 4 stars; one submission).

Submission:

Centre of Medical Genetics, University Hospital Muenster
Classification: Uncertain significance. Last evaluated: 2021-12-15. Review status: criteria provided, single submitter. Criteria: ACMG Guidelines, 2015. Collection method: clinical testing. Allele origin: unknown. Affected: yes. Observed: 1 variant allele, 1 heterozygote.
Comment: ACMG categories: PM2,PP3

Literature cited by the submitters: PubMed 18367486.

NM_000460.4(THPO):c.-146G>A

Gene: THPO (thrombopoietin; minus strand). Cytogenetic location: 3q27.1.
Variant type: single nucleotide variant.
Coding change: c.-146G>A on transcript NM_000460.4 (MANE Select); 146 bases upstream of the start codon, G replaced by A.
Molecular consequence: 5 prime UTR variant. On other transcripts: missense variant (1), intron variant (1).
Genome position (GRCh38, 1-based): chr3:184,378,075, C>T on the plus strand (G>A on the coding strand, the complement: THPO is on the minus strand). VCF-style: chr3-184378075-C-T. GRCh37 (hg19) VCF-style: chr3-184095863-C-T.
Other names: c.-146G>A (NM_001177597.2, NM_001177598.2, NM_001289997.1 and 4 more transcripts); c.275G>A, p.Arg92Gln (NM_001290003.1); c.-146+1516G>A (NM_001290028.1); short protein forms R92Q.
Identifiers: ClinVar variation 1708434 (VCV001708434.3), dbSNP rs773436828, ClinGen allele CA1057234639.